The following is an entry in ClinVar:

NM_000094.4(COL7A1):c.2582C>T (p.Thr861Ile)

Gene: COL7A1 (collagen type VII alpha 1 chain; minus strand). Cytogenetic location: 3p21.31.
Variant type: single nucleotide variant.
Coding change: c.2582C>T on transcript NM_000094.4 (MANE Select); coding-DNA position 2582, C replaced by T.
Protein change: p.Thr861Ile; replaces threonine 861 with isoleucine.
Molecular consequence: missense variant.
Genome position (GRCh38, 1-based): chr3:48,588,647, G>A on the plus strand (C>T on the coding strand, the complement: COL7A1 is on the minus strand). VCF-style: chr3-48588647-G-A. GRCh37 (hg19) VCF-style: chr3-48626080-G-A.
Other names: short protein forms T861I.
Identifiers: ClinVar variation 3697370 (VCV003697370.2).

ClinVar aggregate classification (germline): Uncertain significance (1 of 4 stars; one submission).

Submission:

Labcorp Genetics (formerly Invitae), Labcorp
Classification: Uncertain significance. Last evaluated: 2024-03-10. Review status: criteria provided, single submitter. Criteria: Invitae Variant Classification Sherloc (09022015). Collection method: clinical testing. Allele origin: germline.
Comment: This sequence change replaces threonine, which is neutral and polar, with isoleucine, which is neutral and non-polar, at codon 861 of the COL7A1 protein (p.Thr861Ile). This variant is present in population databases (rs758459208, gnomAD 0.003%). This variant has not been reported in the literature in individuals affected with COL7A1-related conditions. Advanced modeling of protein sequence and biophysical properties (such as structural, functional, and spatial information, amino acid conservation, physicochemical variation, residue mobility, and thermodynamic stability) performed at Invitae indicates that this missense variant is not expected to disrupt COL7A1 protein function with a negative predictive value of 95%. In summary, the available evidence is currently insufficient to determine the role of this variant in disease. Therefore, it has been classified as a Variant of Uncertain Significance.